The following is an entry in ClinVar:

ClinVar aggregate classification (germline): Uncertain significance (1 of 4 stars; one submission).

Allele frequency attached by ClinVar (database versions not stated): gnomAD exomes below 0.00001.
gnomAD v4.1: 1 of 1,613,494 alleles (0.000062%); highest among the groups gnomAD compares: Non-Finnish European, 0.000085%; no homozygotes.

Submission:

Labcorp Genetics (formerly Invitae), Labcorp
Classification: Uncertain significance. Last evaluated: 2023-12-25. Review status: criteria provided, single submitter. Criteria: Invitae Variant Classification Sherloc (09022015). Collection method: clinical testing. Allele origin: germline.
Comment: This sequence change replaces leucine, which is neutral and non-polar, with valine, which is neutral and non-polar, at codon 1532 of the RP1 protein (p.Leu1532Val). This variant is not present in population databases (gnomAD no frequency). This variant has not been reported in the literature in individuals affected with RP1-related conditions. An algorithm developed to predict the effect of missense changes on protein structure and function (PolyPhen-2) suggests that this variant is likely to be tolerated. In summary, the available evidence is currently insufficient to determine the role of this variant in disease. Therefore, it has been classified as a Variant of Uncertain Significance.

NM_006269.2(RP1):c.4594C>G (p.Leu1532Val)

Gene: RP1 (RP1 axonemal microtubule associated; plus strand). Cytogenetic location: 8q12.1.
Variant type: single nucleotide variant.
Coding change: c.4594C>G on transcript NM_006269.2 (MANE Select); coding-DNA position 4594, C replaced by G.
Protein change: p.Leu1532Val; replaces leucine 1532 with valine.
Molecular consequence: missense variant. On other transcripts: intron variant (1).
Genome position (GRCh38, 1-based): chr8:54,628,476, C>G. VCF-style: chr8-54628476-C-G. GRCh37 (hg19) VCF-style: chr8-55541036-C-G.
Other names: c.787+6188C>G (NM_001375654.1); short protein forms L1532V.
Identifiers: ClinVar variation 2965757 (VCV002965757.3), dbSNP rs1806146370, ClinGen allele CA370982752.
Genomic context (GRCh38, chr8:54,628,476, plus strand): 5'-AAGAATATTATGGAAGAAAAAAGAATGAACGGTATAATTTATGAAATAATCAGTAAGAGG[C>G]TGGCAACACCACCATCTTTAGATTTTTGCTATGATTCTAAGCAAAATAGTGAAAAGGAGA-3'
Protein context (NP_006260.1, residues 1522-1542): GIIYEIISKR[Leu1532Val]ATPPSLDFCY